The following is an entry in ClinVar:

ClinVar aggregate classification (germline): Conflicting classifications of pathogenicity. Review status: criteria provided, conflicting classifications (1 of 4 stars). 2 submissions from 2 submitters: Uncertain significance (1); Likely benign (1). Last evaluated 2023-01-16.

Conditions:
Inborn genetic diseases. Identifiers: MedGen C0950123, MeSH D030342.

Allele frequency attached by ClinVar (database versions not stated): gnomAD exomes below 0.00001; ExAC 0.00001; gnomAD 0.00003; TOPMed 0.00003.
gnomAD v4.1: 5 of 1,613,164 alleles (0.00031%); highest among the groups gnomAD compares: African/African-American, 0.0053%; no homozygotes.

Submissions (2):

Labcorp Genetics (formerly Invitae), Labcorp
Classification: Likely benign. Last evaluated: 2023-01-16. Review status: criteria provided, single submitter. Criteria: Invitae Variant Classification Sherloc (09022015). Collection method: clinical testing. Allele origin: germline.

Ambry Genetics
Classification: Uncertain significance for Inborn genetic diseases. Last evaluated: 2021-03-08. Review status: criteria provided, single submitter. Criteria: Ambry Variant Classification Scheme 2023. Collection method: clinical testing. Allele origin: germline.
Comment: The c.493C>T (p.P165S) alteration is located in exon 2 (coding exon 2) of the PDE4D gene. This alteration results from a C to T substitution at nucleotide position 493, causing the proline (P) at amino acid position 165 to be replaced by a serine (S). The in silico prediction for the p.P165S alteration is inconclusive. Based on insufficient or conflicting evidence, the clinical significance of this alteration remains unclear.

NM_001104631.2(PDE4D):c.493C>T (p.Pro165Ser)

Gene: PDE4D (phosphodiesterase 4D; minus strand). Cytogenetic location: 5q11.2.
Variant type: single nucleotide variant.
Coding change: c.493C>T on transcript NM_001104631.2 (MANE Select); coding-DNA position 493, C replaced by T.
Protein change: p.Pro165Ser; replaces proline 165 with serine.
Molecular consequence: missense variant. On other transcripts: 5 prime UTR variant (3).
Genome position (GRCh38, 1-based): chr5:59,215,931, G>A on the plus strand (C>T on the coding strand, the complement: PDE4D is on the minus strand). VCF-style: chr5-59215931-G-A. GRCh37 (hg19) VCF-style: chr5-58511757-G-A.
Other names: c.310C>T, p.Pro104Ser (NM_001165899.2, NM_001364599.1, NM_001364600.2); c.301C>T, p.Pro101Ser (NM_001197218.2, NM_001364601.1, NM_001364602.2); c.127C>T, p.Pro43Ser (NM_001197219.2); c.103C>T, p.Pro35Ser (NM_001197220.2); c.280C>T, p.Pro94Ser (NM_001349241.2); c.163C>T, p.Pro55Ser (NM_001349242.2); c.-202C>T (NM_001349243.2, NM_001364604.1); c.-458C>T (NM_001364603.1); and 1 more; short protein forms P101S, P29S, P35S, P104S, P43S, P55S, P165S, P94S.
Identifiers: ClinVar variation 2229435 (VCV002229435.5), dbSNP rs756389970, ClinGen allele CA3276415.